The following is an entry in ClinVar:

NM_020708.5(SLC12A5):c.2935G>A (p.Ala979Thr)

Gene: SLC12A5 (solute carrier family 12 member 5; plus strand). Cytogenetic location: 20q13.12.
Variant type: single nucleotide variant.
Coding change: c.2935G>A on transcript NM_020708.5 (MANE Select); coding-DNA position 2935, G replaced by A.
Protein change: p.Ala979Thr; replaces alanine 979 with threonine.
Molecular consequence: missense variant.
Genome position (GRCh38, 1-based): chr20:46,056,389, G>A. VCF-style: chr20-46056389-G-A. GRCh37 (hg19) VCF-style: chr20-44685028-G-A.
Other names: c.3004G>A, p.Ala1002Thr (NM_001134771.2); c.3004G>A (NM_001134771.1); short protein forms A1002T, A979T.
Identifiers: ClinVar variation 644671 (VCV000644671.7), dbSNP rs751920054, ClinGen allele CA9887755.

ClinVar aggregate classification (germline): Uncertain significance. Review status: criteria provided, multiple submitters, no conflicts (2 of 4 stars). 2 submissions from 2 submitters: Uncertain significance (2). Last evaluated 2025-01-19.

Conditions:
Developmental and epileptic encephalopathy, 34 (DEE34). Also called: Early infantile epileptic encephalopathy 34; SLC12A5-Related Epilepsy of Infancy with Migrating Focal Seizures. Identifiers: Orphanet 293181, MedGen C4225257, MONDO:0014718, OMIM 616645.

Allele frequency attached by ClinVar (database versions not stated): TOPMed below 0.00001; gnomAD exomes 0.00001 and 0.00003; gnomAD 0.00002; ExAC 0.00003.
gnomAD v4.1: 13 of 1,612,314 alleles (0.00081%); highest among the groups gnomAD compares: Middle Eastern, 0.016%; no homozygotes.

Submissions (2):

Ambry Genetics
Classification: Uncertain significance. Last evaluated: 2025-01-19. Review status: criteria provided, single submitter. Criteria: Ambry Variant Classification Scheme 2023. Collection method: clinical testing. Allele origin: germline.

Labcorp Genetics (formerly Invitae), Labcorp
Classification: Uncertain significance for Developmental and epileptic encephalopathy, 34. Last evaluated: 2021-08-30. Review status: criteria provided, single submitter. Criteria: Invitae Variant Classification Sherloc (09022015). Collection method: clinical testing. Allele origin: germline.
Comment: This sequence change replaces alanine with threonine at codon 979 of the SLC12A5 protein (p.Ala979Thr). The alanine residue is moderately conserved and there is a small physicochemical difference between alanine and threonine. This variant is present in population databases (rs751920054, ExAC 0.02%). This variant has not been reported in the literature in individuals affected with SLC12A5-related conditions. Algorithms developed to predict the effect of missense changes on protein structure and function (SIFT, PolyPhen-2, Align-GVGD) all suggest that this variant is likely to be tolerated. In summary, the available evidence is currently insufficient to determine the role of this variant in disease. Therefore, it has been classified as a Variant of Uncertain Significance.